The following is an entry in ClinVar:

NM_016004.5(IFT52):c.1049C>T (p.Pro350Leu)

Gene: IFT52 (intraflagellar transport 52; plus strand). Cytogenetic location: 20q13.12.
Variant type: single nucleotide variant.
Coding change: c.1049C>T on transcript NM_016004.5 (MANE Select); coding-DNA position 1049, C replaced by T.
Protein change: p.Pro350Leu; replaces proline 350 with leucine.
Molecular consequence: missense variant.
Genome position (GRCh38, 1-based): chr20:43,637,182, C>T. VCF-style: chr20-43637182-C-T. GRCh37 (hg19) VCF-style: chr20-42265822-C-T.
Other names: c.1049C>T, p.Pro350Leu (NM_001303458.3, NM_001303459.3); c.521C>T, p.Pro174Leu (NM_001323578.2, NM_001323580.2); c.398C>T, p.Pro133Leu (NM_001323579.2, NM_001323581.2); short protein forms P133L, P174L, P350L.
Identifiers: ClinVar variation 735449 (VCV000735449.9), dbSNP rs143545668, ClinGen allele CA9867089.
Genomic context (GRCh38, chr20:43,637,182, plus strand): 5'-ATAATGACTTTATTTCCTTTTAGGTTTTTCCTCCCAGTTTCCGGGAGTTACCACCTCCTC[C>T]TCTGGAGCTATTTGATTTAGATGAAACGTTCTCCTCTGAGAAGGCACGGCTGGCTCAGAT-3'
Protein context (NP_057088.2, residues 340-360): PPSFRELPPP[Pro350Leu]LELFDLDETF

ClinVar aggregate classification (germline): Likely benign. Review status: criteria provided, multiple submitters, no conflicts (2 of 4 stars). 2 submissions from 2 submitters: Likely benign (2). Last evaluated 2026-01-03.

Conditions:
IFT52-related disorder. Also called: IFT52-related condition.

Allele frequency attached by ClinVar (database versions not stated): gnomAD exomes 0.00008 and 0.00037; gnomAD 0.00010 and 0.00011; TOPMed 0.00017; ExAC 0.00026.
gnomAD v4.1: 126 of 1,611,188 alleles (0.0078%); highest among the groups gnomAD compares: Admixed American, 0.21%; no homozygotes.

Submissions (2):

Labcorp Genetics (formerly Invitae), Labcorp
Classification: Likely benign. Last evaluated: 2026-01-03. Review status: criteria provided, single submitter. Criteria: Invitae Variant Classification Sherloc (09022015). Collection method: clinical testing. Allele origin: germline.

PreventionGenetics, part of Exact Sciences
Classification: Likely benign for IFT52-related condition. Last evaluated: 2024-12-03. Review status: criteria provided, single submitter. Criteria: ACMG Guidelines, 2015. Collection method: clinical testing. Allele origin: germline.
Comment: This variant is classified as likely benign based on ACMG/AMP sequence variant interpretation guidelines (Richards et al. 2015 PMID: 25741868, with internal and published modifications).